The following is an entry in ClinVar:

NM_015465.5(GEMIN5):c.3519T>C (p.Pro1173=)

Gene: GEMIN5 (gem nuclear organelle associated protein 5; minus strand). Cytogenetic location: 5q33.2.
Variant type: single nucleotide variant.
Coding change: c.3519T>C on transcript NM_015465.5 (MANE Select); coding-DNA position 3519, T replaced by C.
Protein change: p.Pro1173=; no amino-acid change (proline 1173 retained).
Molecular consequence: synonymous variant.
Genome position (GRCh38, 1-based): chr5:154,896,170, A>G on the plus strand (T>C on the coding strand, the complement: GEMIN5 is on the minus strand). VCF-style: chr5-154896170-A-G. GRCh37 (hg19) VCF-style: chr5-154275730-A-G.
Other names: c.3516T>C, p.Pro1172= (NM_001252156.2).
Identifiers: ClinVar variation 3904835 (VCV003904835.10).

ClinVar aggregate classification (germline): Likely benign (1 of 4 stars; one submission).

gnomAD v4.1: 399 of 1,613,950 alleles (0.025%); highest among the groups gnomAD compares: Non-Finnish European, 0.031%; no homozygotes.

Submission:

CeGaT Center for Human Genetics Tuebingen
Classification: Likely benign. Last evaluated: 2025-05-01. Review status: criteria provided, single submitter. Criteria: CeGaT Center For Human Genetics Tuebingen Variant Classification Criteria Version 2. Collection method: clinical testing. Allele origin: germline. Affected: yes. Observed: 1 variant allele.
Comment: GEMIN5: BP4, BP7